The following is an entry in ClinVar:

NM_000400.4(ERCC2):c.2150C>G (p.Ala717Gly)

Gene: ERCC2 (ERCC excision repair 2, TFIIH core complex helicase subunit; minus strand). Cytogenetic location: 19q13.32.
Variant type: single nucleotide variant.
Coding change: c.2150C>G on transcript NM_000400.4 (MANE Select); coding-DNA position 2150, C replaced by G.
Protein change: p.Ala717Gly; replaces alanine 717 with glycine.
Molecular consequence: missense variant.
Genome position (GRCh38, 1-based): chr19:45,352,249, G>C on the plus strand (C>G on the coding strand, the complement: ERCC2 is on the minus strand). VCF-style: chr19-45352249-G-C. GRCh37 (hg19) VCF-style: chr19-45855507-G-C.
Other names: short protein forms A717G.
Identifiers: ClinVar variation 134102 (VCV000134102.74), dbSNP rs144564120, ClinGen allele CA158773.
Genomic context (GRCh38, chr19:45,352,249, plus strand): 5'-GAGGGGGACGCAGGCCTCACCCGGTGGAAGGGCTGTGCCATCTGCCGCAGGAAGTACTTG[G>C]CCACCTGGACACCCTCGTCCACGGTCAGGTTGAGGTTGGCATCTGTGAGGTGCTCCTGGA-3'
Protein context (NP_000391.1, residues 707-727): NLTVDEGVQV[Ala717Gly]KYFLRQMAQP

ClinVar aggregate classification (germline): Pathogenic/Likely pathogenic. Review status: criteria provided, multiple submitters, no conflicts (2 of 4 stars). 18 submissions from 18 submitters: Pathogenic (12); Likely pathogenic (4). 2 of the submissions do not count toward it. Last evaluated 2026-09-01.

Conditions:
Mixed Phenotype Acute Leukemia, T/Myeloid, Not Otherwise Specified. Identifiers: MedGen C2826055.
ERCC2-related disorder. Also called: ERCC2-related disorders; ERCC2-related conditions; ERCC2-related condition. Identifiers: MedGen CN239291.
Autosomal recessive ERCC2-related disorders.
Inborn genetic diseases. Identifiers: MedGen C0950123, MeSH D030342.
Trichothiodystrophy 1, photosensitive (TTD1). Also called: TAY SYNDROME; TRICHOTHIODYSTROPHY WITH CONGENITAL ICHTHYOSIS; PIBIDS SYNDROME. Identifiers: Orphanet 33364, MedGen C1866504, MONDO:0011125, OMIM 601675.
Xeroderma pigmentosum, group D (XPD). Also called: XERODERMA PIGMENTOSUM, COMPLEMENTATION GROUP D; XERODERMA PIGMENTOSUM IV; XP, GROUP D; XP, GROUP H; ERCC2-Related Xeroderma Pigmentosum. Identifiers: MedGen C0268138, MONDO:0010212, OMIM 278730.
Cerebrooculofacioskeletal syndrome 2 (COFS2). Identifiers: MedGen C1853102, MONDO:0012553, OMIM 610756.
Xeroderma pigmentosum (XP). Identifiers: Orphanet 910, MedGen C0043346, MONDO:0019600.

Allele frequency attached by ClinVar (database versions not stated): gnomAD 0.00027 and 0.00029; gnomAD exomes 0.00031 and 0.00046; TOPMed 0.00032; ExAC 0.00035; ESP Exome Variant Server 0.00023.

Submissions 1 to 9 of 23:

CeGaT Center for Human Genetics Tuebingen
Classification: Likely pathogenic. Last evaluated: 2026-09-01. Review status: criteria provided, single submitter. Criteria: CeGaT Center For Human Genetics Tuebingen Variant Classification Criteria Version 2. Collection method: clinical testing. Allele origin: germline. Affected: yes. Observed: 9 variant alleles.
Comment: ERCC2: PS3, PM2, PM3, PP3

Labcorp Genetics (formerly Invitae), Labcorp
Classification: Pathogenic. Last evaluated: 2026-01-22. Review status: criteria provided, single submitter. Criteria: Invitae Variant Classification Sherloc (09022015). Collection method: clinical testing. Allele origin: germline.
Comment: This sequence change replaces alanine, which is neutral and non-polar, with glycine, which is neutral and non-polar, at codon 717 of the ERCC2 protein (p.Ala717Gly). This variant is present in population databases (rs144564120, gnomAD 0.2%). This missense change has been observed in individuals with breast and ovarian cancer and xeroderma pigmentosum and trichothiodystrophy (PMID: 15982307, 23232694, 25716912, 26884178, 27504877, 29607586). This variant is also known as del 716–730 or g.18339C>G. ClinVar contains an entry for this variant (Variation ID: 134102). Invitae Evidence Modeling of protein sequence and biophysical properties (such as structural, functional, and spatial information, amino acid conservation, physicochemical variation, residue mobility, and thermodynamic stability) indicates that this missense variant is not expected to disrupt ERCC2 protein function with a negative predictive value of 80%. Experimental studies have shown that this missense change affects ERCC2 function (PMID: 7585650, 15982307, 25716912). Algorithms developed to predict the effect of sequence changes on RNA splicing suggest that this variant may create or strengthen a splice site. For these reasons, this variant has been classified as Pathogenic.

Variantyx, Inc.
Classification: Pathogenic for Autosomal recessive ERCC2-related disorders. Last evaluated: 2025-12-11. Review status: criteria provided, single submitter. Criteria: Variantyx Assertion Criteria 2022. Collection method: clinical testing. Allele origin: germline. Inheritance: Autosomal recessive inheritance. Affected: yes.
Comment: This is a complex allele formed by two nonsynonymous variants in the¬†ERCC2 gene (OMIM: 126340). Pathogenic variants in this gene have been associated with autosomal recessive ERCC2-related disorders. This variant has been identified in the compound heterozygous state in multiple individuals reported in the published literature (PMID: 25716912, 26884178) (PM3). It causes an in-frame deletion of 15 amino acids from position 716 to 730 by generating a new splice donor site (PMID: 9195225, 26884178, 35699229) (PM4). Computational algorithms produce conflicting evidence regarding the predicted functional impact of this variant (REVEL score: 0.578), but functional studies have shown that this variant alters ERCC2 protein function (PMID: 23221806, 25716912) (PS3). TMoreover, the alteration lies within a known hotspot for pathogenic variants or a well-established critical functional domain of the ERCC2 protein (PMID:31282071, 31803976) (PM1). This variant has a 0.0500% maximum allele frequency in non-founder control populations (PM2). Based on the current evidence, this variant is classified as pathogenic for autosomal recessive ERCC2-related disorders.

First Genomix Gene Laboratory, Genetic Diagnostics Department
Classification: Pathogenic for Cerebrooculofacioskeletal syndrome 2; Trichothiodystrophy 1, photosensitive; Xeroderma pigmentosum, group D. Last evaluated: 2025-08-05. Review status: criteria provided, single submitter. Criteria: ACMG Guidelines, 2015. Collection method: clinical testing. Allele origin: germline. Inheritance: Autosomal recessive inheritance. Affected: no. Observed: 1 variant allele.

GeneDx
Classification: Pathogenic. Last evaluated: 2025-04-14. Review status: criteria provided, single submitter. Criteria: GeneDx Variant Classification Process June 2021. Collection method: clinical testing. Allele origin: germline. Affected: yes.
Comment: RNA studies suggest that the c.2150C>G variant creates a cryptic splice donor site upstream of the natural splice site, leading to an in-frame deletion of 15 amino acids (PMID: 7585650); Published functional studies also suggest that A717G was similar to wildtype in UV survival assays and TFIIH binding, but when expressed in cis with L461V, cells were more sensitive at high doses of UV; however, the significance of this result is unclear due to a lack known controls (PMID: 25716912); In silico analysis supports that this missense variant does not alter protein structure/function, but has a deleterious effect on splicing; Observed almost always on the same allele (in cis) with the L461V variant (PMID: 7585650, 9195225, 23221806, 25716912, 26884178); This variant is associated with the following publications: (PMID: 24728327, 32239545, 23221806, 26884178, 25716912, 9195225, 37762649, 36845387, 35988656, 34426522, 31589614, 34308104, 22234153, 8571952, 16135823, 31980526, 33726816, 23232694, 27504877, 29607586, 30676620, 15982307, 17020410, 7585650)

Blueprint Genetics
Classification: Pathogenic for ERCC2-related disorders. Last evaluated: 2024-09-16. Review status: criteria provided, single submitter. Criteria: ACMG Guidelines, 2015. Collection method: clinical testing. Allele origin: germline. Affected: yes. Observed: 5 variant alleles.

Fulgent Genetics
Classification: Likely pathogenic for Xeroderma pigmentosum, group D; Trichothiodystrophy 1, photosensitive; Cerebrooculofacioskeletal syndrome 2. Last evaluated: 2024-02-16. Review status: criteria provided, single submitter. Criteria: ACMG Guidelines, 2015. Collection method: clinical testing. Allele origin: germline.

Department of Pathology and Laboratory Medicine, Sinai Health System
Classification: Pathogenic for Xeroderma pigmentosum, group D; Trichothiodystrophy 1, photosensitive; Cerebrooculofacioskeletal syndrome 2. Last evaluated: 2023-04-13. Review status: criteria provided, single submitter. Criteria: ACMG Guidelines, 2015. Collection method: research. Allele origin: germline.

Molecular Genetics, Royal Melbourne Hospital
Classification: Pathogenic for Xeroderma pigmentosum, group D. Last evaluated: 2023-03-30. Review status: criteria provided, single submitter. Criteria: ACMG Guidelines, 2015. Collection method: clinical testing. Allele origin: germline. Affected: yes.
Comment: This sequence change in ERCC2 is predicted to replace alanine with glycine at codon 717, p.(Ala717Gly). The alanine residue is moderately conserved (100 vertebrates, UCSC), and is located in a helical region. There is a moderate physicochemical difference between alanine and glycine. The highest population minor allele frequency in the population database gnomAD v2.1 is 0.2% (23/10,368 alleles) in the Ashkenazi Jewish population, whereas the highest continental population minor allele frequency is 0.04% (47/128,994 alleles) in the European non-Finnish) population. This is consistent with recessive disease. This variant has been detected (always in cis with c.1381C>G, p.Leu461Val) in at least nine individuals with milder/adult-onset xeroderma pigmentosum-Cockayne syndrome complex, trichothiodystrophy, or xeroderma pigmentosum (XP). Of those individuals, five were compound heterozygous for the variant and a pathogenic or likely pathogenic variant and two of those were confirmed in trans by parental/family testing or other methods (PMID: 9195225, 15982307, 16135823, 23232694, 26884178, 35699229). XP complementation analysis was conducted in the cells of most of these individuals, and the XP-D complementation group was identified, which is highly specific for ERCC2-related XP. Multiple lines of computational evidence predict an impact on splicing (SpliceAI, MaxEntScan, NNSplice), and have conflicting predictions for the missense substitution (4/6 algorithms predict deleterious). This splice prediction is confirmed by allele-specific RT-PCR. The assay demonstrated that the variant impacts splicing by activation of a leaky cryptic donor site leading to a 55 bp deletion in exon 22 (r.[2146_2190del,2150c>g] p.[Val716_Arg730del,Ala717Gly]; PMID: 25716912). In vitro nucleotide excision repair (NER) and transcription assays in NER-deficient cell lines showed p.Val716_Arg730del exhibited defective repair and transcriptional activity, while p.Ala717Gly exhibited efficient repair and transcriptional activity. The combined p.[Leu461Val;Ala717Gly] exhibited intermediate activity (PMID: 25716912). Based on the classification scheme RMH Modified ACMG Guidelines v1.5.1, this variant is classified as PATHOGENIC. Following criteria are met: PM3_VeryStrong, PS3_Supporting, PM2_Supporting, PP3, PP4.